The following is an entry in ClinVar:

ClinVar aggregate classification (germline): Uncertain significance. Review status: criteria provided, multiple submitters, no conflicts (2 of 4 stars). 2 submissions from 2 submitters: Uncertain significance (2). Last evaluated 2024-01-16.

Allele frequency attached by ClinVar (database versions not stated): gnomAD 0.00009; TOPMed 0.00009; gnomAD exomes 0.00010; ExAC 0.00013.

Submissions (2):

Mayo Clinic Laboratories, Mayo Clinic
Classification: Uncertain significance. Last evaluated: 2024-01-16. Review status: criteria provided, single submitter. Criteria: ACMG Guidelines, 2015. Collection method: clinical testing. Allele origin: germline. Observed: 1 variant allele.
Comment: PM1_supporting

Labcorp Genetics (formerly Invitae), Labcorp
Classification: Uncertain significance. Last evaluated: 2022-07-30. Review status: criteria provided, single submitter. Criteria: Invitae Variant Classification Sherloc (09022015). Collection method: clinical testing. Allele origin: germline.
Comment: This sequence change replaces aspartic acid, which is acidic and polar, with asparagine, which is neutral and polar, at codon 263 of the VPS33B protein (p.Asp263Asn). This variant is present in population databases (rs749811246, gnomAD 0.02%). This variant has not been reported in the literature in individuals affected with VPS33B-related conditions. ClinVar contains an entry for this variant (Variation ID: 1484554). Algorithms developed to predict the effect of missense changes on protein structure and function are either unavailable or do not agree on the potential impact of this missense change (SIFT: "Not Available"; PolyPhen-2: "Benign"; Align-GVGD: "Not Available"). In summary, the available evidence is currently insufficient to determine the role of this variant in disease. Therefore, it has been classified as a Variant of Uncertain Significance.

NM_018668.5(VPS33B):c.787G>A (p.Asp263Asn)

Gene: VPS33B (VPS33B late endosome and lysosome associated; minus strand). Cytogenetic location: 15q26.1.
Variant type: single nucleotide variant.
Coding change: c.787G>A on transcript NM_018668.5 (MANE Select); coding-DNA position 787, G replaced by A.
Protein change: p.Asp263Asn; replaces aspartic acid 263 with asparagine.
Molecular consequence: missense variant.
Genome position (GRCh38, 1-based): chr15:91,006,437, C>T on the plus strand (G>A on the coding strand, the complement: VPS33B is on the minus strand). VCF-style: chr15-91006437-C-T. GRCh37 (hg19) VCF-style: chr15-91549667-C-T.
Other names: p.Asp263Asn; c.706G>A, p.Asp236Asn (NM_001289148.1); c.514G>A, p.Asp172Asn (NM_001289149.1); c.787G>A (NM_018668.4); short protein forms D236N, D263N, D172N.
Identifiers: ClinVar variation 1484554 (VCV001484554.6), dbSNP rs749811246, ClinGen allele CA7744908.